The following is an entry in ClinVar:

NM_015272.5(RPGRIP1L):c.4T>C (p.Ser2Pro)

Gene: RPGRIP1L (RPGRIP1 like; minus strand). Cytogenetic location: 16q12.2.
Variant type: single nucleotide variant.
Coding change: c.4T>C on transcript NM_015272.5 (MANE Select); coding-DNA position 4, T replaced by C.
Protein change: p.Ser2Pro; replaces serine 2 with proline.
Molecular consequence: missense variant.
Genome position (GRCh38, 1-based): chr16:53,700,720, A>G on the plus strand (T>C on the coding strand, the complement: RPGRIP1L is on the minus strand). VCF-style: chr16-53700720-A-G. GRCh37 (hg19) VCF-style: chr16-53734632-A-G.
Other names: c.4T>C, p.Ser2Pro (NM_001127897.4, NM_001308334.3, NM_001328422.2 and 2 more transcripts); short protein forms S2P.
Identifiers: ClinVar variation 4988602 (VCV004988602.1).

ClinVar aggregate classification (germline): Uncertain significance (1 of 4 stars; one submission).

Conditions:
RPGRIP1L-related disorder. Also called: RPGRIP1L-related disorders; RPGRIP1L-related condition. Identifiers: MedGen CN239416.

Submission:

PreventionGenetics, part of Exact Sciences
Classification: Uncertain significance for RPGRIP1L-related condition. Last evaluated: 2026-06-30. Review status: criteria provided, single submitter. Criteria: ACMG Guidelines, 2015. Collection method: clinical testing. Allele origin: germline.
Comment: The RPGRIP1L c.4T>C variant is predicted to result in the amino acid substitution p.Ser2Pro. To our knowledge, this variant has not been reported in the literature or in a large population database (gnomAD), indicating this variant is rare. At this time, the clinical significance of this variant is uncertain due to the absence of conclusive functional and genetic evidence.